The following is an entry in ClinVar:

ClinVar aggregate classification (germline): Likely benign (1 of 4 stars; one submission).

gnomAD v4.1: 18 of 1,208,370 alleles (0.0015%); highest among the groups gnomAD compares: East Asian, 0.039%; no homozygotes.

Submission:

CeGaT Center for Human Genetics Tuebingen
Classification: Likely benign. Last evaluated: 2026-01-01. Review status: criteria provided, single submitter. Criteria: CeGaT Center For Human Genetics Tuebingen Variant Classification Criteria Version 2. Collection method: clinical testing. Allele origin: germline. Affected: yes. Observed: 1 variant allele.
Comment: PGAM4: BP4, BP7, BS2

NM_001029891.3(PGAM4):c.252T>C (p.Thr84=)

Genes: ATP7A (ATPase copper transporting alpha; plus strand), PGAM4 (phosphoglycerate mutase family member 4; minus strand). Cytogenetic location: Xq21.1.
Variant type: single nucleotide variant.
Coding change: c.252T>C on transcript NM_001029891.3 (MANE Select); coding-DNA position 252, T replaced by C.
Protein change: p.Thr84=; no amino-acid change (threonine 84 retained).
Molecular consequence: synonymous variant. On other transcripts: intron variant (2).
Genome position (GRCh38, 1-based): chrX:77,969,387, A>G on the plus strand (T>C on the coding strand, the complement: PGAM4 is on the minus strand). VCF-style: chrX-77969387-A-G. GRCh37 (hg19) VCF-style: chrX-77224884-A-G.
Other names: c.-21-2234A>G (NM_000052.7, NM_001282224.2).
Identifiers: ClinVar variation 4822099 (VCV004822099.4).